The following is an entry in ClinVar:

NM_053025.4(MYLK):c.1075C>A (p.Pro359Thr)

Gene: MYLK (myosin light chain kinase; minus strand). Cytogenetic location: 3q21.1.
Variant type: single nucleotide variant.
Coding change: c.1075C>A on transcript NM_053025.4 (MANE Select); coding-DNA position 1075, C replaced by A.
Protein change: p.Pro359Thr; replaces proline 359 with threonine.
Molecular consequence: missense variant.
Genome position (GRCh38, 1-based): chr3:123,733,921, G>T on the plus strand (C>A on the coding strand, the complement: MYLK is on the minus strand). VCF-style: chr3-123733921-G-T. GRCh37 (hg19) VCF-style: chr3-123452768-G-T.
Other names: c.547C>A, p.Pro183Thr (NM_001321309.2); c.1075C>A, p.Pro359Thr (NM_053026.4, NM_053027.4, NM_053028.4); short protein forms P359T, P183T.
Identifiers: ClinVar variation 264267 (VCV000264267.12), dbSNP rs202225055, ClinGen allele CA066673.

ClinVar aggregate classification (germline): Conflicting classifications of pathogenicity. Review status: criteria provided, conflicting classifications (1 of 4 stars). 4 submissions from 4 submitters: Uncertain significance (3); Likely benign (1). Last evaluated 2024-04-16.

Conditions:
Familial thoracic aortic aneurysm and aortic dissection (TAAD). Also called: Thoracic aortic aneurysms and dissections. Identifiers: Orphanet 91387, MedGen C4707243, MONDO:0019625.
Megacystis-microcolon-intestinal hypoperistalsis syndrome 1. Identifiers: MedGen C5542316, MONDO:0100354, OMIM 249210.
Aortic aneurysm, familial thoracic 7 (AAT7). Also called: AORTIC DISSECTION, FAMILIAL, WITH OR WITHOUT AORTIC ANEURYSM. Identifiers: MedGen C3151077, MONDO:0013418, OMIM 613780.

Allele frequency attached by ClinVar (database versions not stated): TOPMed 0.00010; gnomAD 0.00003; ESP Exome Variant Server 0.00008.
gnomAD v4.1: 201 of 1,614,088 alleles (0.012%); highest among the groups gnomAD compares: Non-Finnish European, 0.016%; no homozygotes.

Submissions (4):

GeneDx
Classification: Uncertain significance. Last evaluated: 2024-04-16. Review status: criteria provided, single submitter. Criteria: GeneDx Variant Classification Process June 2021. Collection method: clinical testing. Allele origin: germline.
Comment: Has not been previously published as pathogenic or benign to our knowledge; In silico analysis indicates that this missense variant does not alter protein structure/function

Ambry Genetics
Classification: Likely benign for Familial thoracic aortic aneurysm and aortic dissection. Last evaluated: 2023-10-31. Review status: criteria provided, single submitter. Criteria: Ambry Variant Classification Scheme 2023. Collection method: clinical testing. Allele origin: germline.

Labcorp Genetics (formerly Invitae), Labcorp
Classification: Uncertain significance for Aortic aneurysm, familial thoracic 7. Last evaluated: 2022-10-30. Review status: criteria provided, single submitter. Criteria: Invitae Variant Classification Sherloc (09022015). Collection method: clinical testing. Allele origin: germline.
Comment: This sequence change replaces proline, which is neutral and non-polar, with threonine, which is neutral and polar, at codon 359 of the MYLK protein (p.Pro359Thr). This variant is present in population databases (rs202225055, gnomAD 0.02%). This variant has not been reported in the literature in individuals affected with MYLK-related conditions. ClinVar contains an entry for this variant (Variation ID: 264267). Advanced modeling of protein sequence and biophysical properties (such as structural, functional, and spatial information, amino acid conservation, physicochemical variation, residue mobility, and thermodynamic stability) performed at Invitae indicates that this missense variant is not expected to disrupt MYLK protein function. In summary, the available evidence is currently insufficient to determine the role of this variant in disease. Therefore, it has been classified as a Variant of Uncertain Significance.

Fulgent Genetics
Classification: Uncertain significance for Megacystis-microcolon-intestinal hypoperistalsis syndrome 1; Aortic aneurysm, familial thoracic 7. Last evaluated: 2021-10-04. Review status: criteria provided, single submitter. Criteria: ACMG Guidelines, 2015. Collection method: clinical testing. Allele origin: unknown.